The following is an entry in ClinVar:

ClinVar aggregate classification (germline): Likely benign. Review status: criteria provided, single submitter (1 of 4 stars). 2 submissions from 2 submitters: Likely benign (1). 1 of the submissions does not count toward it. Last evaluated 2022-12-21.

Conditions:
Inborn genetic diseases. Identifiers: MedGen C0950123, MeSH D030342.
TMEM63A-related disorder. Also called: TMEM63A-related condition.

Allele frequency attached by ClinVar (database versions not stated): gnomAD 0.00001; gnomAD exomes 0.00005; TOPMed 0.00006; ExAC 0.00008.
gnomAD v4.1: 69 of 1,614,042 alleles (0.0043%); highest among the groups gnomAD compares: Admixed American, 0.092%; no homozygotes.

Submissions (2):

Ambry Genetics
Classification: Likely benign for Inborn genetic diseases. Last evaluated: 2022-12-21. Review status: criteria provided, single submitter. Criteria: Ambry Variant Classification Scheme 2023. Collection method: clinical testing. Allele origin: germline.

PreventionGenetics, part of Exact Sciences
Classification: Likely benign for TMEM63A-related condition. Last evaluated: 2023-10-05. Review status: no assertion criteria provided. Collection method: clinical testing. Allele origin: germline. Not counted in ClinVar's aggregate classification.
Comment: This variant is classified as likely benign based on ACMG/AMP sequence variant interpretation guidelines (Richards et al. 2015 PMID: 25741868, with internal and published modifications).

NM_014698.3(TMEM63A):c.43G>A (p.Val15Met)

Gene: TMEM63A (transmembrane protein 63A; minus strand). Cytogenetic location: 1q42.12.
Variant type: single nucleotide variant.
Coding change: c.43G>A on transcript NM_014698.3 (MANE Select); coding-DNA position 43, G replaced by A.
Protein change: p.Val15Met; replaces valine 15 with methionine.
Molecular consequence: missense variant.
Genome position (GRCh38, 1-based): chr1:225,877,538, C>T on the plus strand (G>A on the coding strand, the complement: TMEM63A is on the minus strand). VCF-style: chr1-225877538-C-T. GRCh37 (hg19) VCF-style: chr1-226065238-C-T.
Other names: short protein forms V15M.
Identifiers: ClinVar variation 2359022 (VCV002359022.4), dbSNP rs749145507, ClinGen allele CA1419710.